The following is an entry in ClinVar:

ClinVar aggregate classification (germline): Uncertain significance (1 of 4 stars; one submission).

Conditions:
Bardet-Biedl syndrome (BBS). Identifiers: Orphanet 110, MedGen C0752166, MONDO:0015229.

Submission:

Labcorp Genetics (formerly Invitae), Labcorp
Classification: Uncertain significance for Bardet-Biedl syndrome. Last evaluated: 2022-08-17. Review status: criteria provided, single submitter. Criteria: Invitae Variant Classification Sherloc (09022015). Collection method: clinical testing. Allele origin: germline.
Comment: This variant, c.1760_1762del, results in the deletion of 1 amino acid(s) of the TRIM32 protein (p.Gly587del), but otherwise preserves the integrity of the reading frame. This variant is present in population databases (no rsID available, gnomAD 0.01%). This variant has not been reported in the literature in individuals affected with TRIM32-related conditions. Experimental studies and prediction algorithms are not available or were not evaluated, and the functional significance of this variant is currently unknown. In summary, the available evidence is currently insufficient to determine the role of this variant in disease. Therefore, it has been classified as a Variant of Uncertain Significance.

NM_012210.4(TRIM32):c.1757GTG[1] (p.Gly587del)

Genes: ASTN2 (astrotactin 2; minus strand), TRIM32 (tripartite motif containing 32; plus strand). Cytogenetic location: 9q33.1.
Variant type: Microsatellite.
Coding change: c.1757GTG[1] on transcript NM_012210.4 (MANE Select); one copy of the 3-base unit GTG starting at c.1757; the reference has two copies in a row; one copy, 3 bases deleted.
Protein change: p.Gly587del; deletes glycine 587.
Molecular consequence: inframe deletion. On other transcripts: intron variant (3).
Genome position (GRCh38, 1-based): chr9:116,699,502-116,699,504, GTG deleted; deleting any 3 consecutive bases within chr9:116,699,499-116,699,504 gives the same sequence; the position shown is the placement nearest the transcript's 3' end. VCF-style (leftmost placement, unchanged base first): chr9-116699498-CGTG-C. GRCh37 (hg19) VCF-style: chr9-119461777-CGTG-C.
Other names: c.1757GTG[1], p.Gly587del (NM_001099679.2, NM_001379048.1, NM_001379049.1 and 1 more transcripts); c.2653+26270_2653+26272del (NM_014010.5); c.2794+26270_2794+26272del (NM_001365069.1); c.2806+26270_2806+26272del (NM_001365068.1); short protein forms G587del.
Identifiers: ClinVar variation 1987029 (VCV001987029.1), dbSNP rs1480373714, ClinGen allele CA590501288.